The following is an entry in ClinVar:

ClinVar aggregate classification (germline): Uncertain significance (1 of 4 stars; one submission).

gnomAD v4.1: 4 of 1,614,214 alleles (0.00025%); highest among the groups gnomAD compares: South Asian, 0.0022%; no homozygotes.

Submission:

Labcorp Genetics (formerly Invitae), Labcorp
Classification: Uncertain significance. Last evaluated: 2024-08-07. Review status: criteria provided, single submitter. Criteria: Invitae Variant Classification Sherloc (09022015). Collection method: clinical testing. Allele origin: germline.
Comment: This sequence change replaces histidine, which is basic and polar, with proline, which is neutral and non-polar, at codon 441 of the A2ML1 protein (p.His441Pro). This variant is present in population databases (no rsID available, gnomAD 0.003%). This variant has not been reported in the literature in individuals affected with A2ML1-related conditions. An algorithm developed to predict the effect of missense changes on protein structure and function (PolyPhen-2) suggests that this variant is likely to be tolerated. In summary, the available evidence is currently insufficient to determine the role of this variant in disease. Therefore, it has been classified as a Variant of Uncertain Significance.

NM_144670.6(A2ML1):c.1322A>C (p.His441Pro)

Gene: A2ML1 (alpha-2-macroglobulin like 1; plus strand). Cytogenetic location: 12p13.31.
Variant type: single nucleotide variant.
Coding change: c.1322A>C on transcript NM_144670.6 (MANE Select); coding-DNA position 1322, A replaced by C.
Protein change: p.His441Pro; replaces histidine 441 with proline.
Molecular consequence: missense variant.
Genome position (GRCh38, 1-based): chr12:8,843,207, A>C. VCF-style: chr12-8843207-A-C. GRCh37 (hg19) VCF-style: chr12-8995803-A-C.
Other names: short protein forms H441P.
Identifiers: ClinVar variation 3673085 (VCV003673085.2).